The following is an entry in ClinVar:

ClinVar aggregate classification (germline): Pathogenic (1 of 4 stars; one submission).

Submission:

GeneDx
Classification: Pathogenic. Last evaluated: 2017-05-17. Review status: criteria provided, single submitter. Criteria: GeneDx Variant Classification (06012015). Collection method: clinical testing. Allele origin: germline. Affected: yes.
Comment: The c.1 A>T variant in the KLHL24 gene has not been reported previously, however a different base pair substitution involving the initiation codon (c.1 A>G) is a common variant associated with generalized epidermolysis bullosa simplex (Lin et al., 2016; He et al., 2016). The c.1 A>T variant is not observed in large population cohorts (Lek et al., 2016; 1000 Genomes Consortium et al., 2015; Exome Variant Server). The c.1 A>T variant alters the initiator Methionine codon, and the resultant protein would be described as p.Met1? using a question mark to signify that it is not known if the loss of Met1 means that all protein translation is completely prevented or if an abnormal protein is produced using an alternate Met. However, it has been shown that a downstream in frame Met initiation codon is used to initiate translation of a protein truncated by deletion of the initial 28 amino acids of the KLHL24 (KLHL24delta28) protein product in some patients (Lin et al., 2016; He et al., 2016). This protein was more stable than the normal protein and lead to increased ubiquitination and turnover of keratin 14. The pathobiology of Met1? in KLHL24 was examined in keratinocytes and fibroblasts of the affected individuals and via expression of mutant KLHL24, the mutant was found to be associated with intermediate filament abnormalities in keratinocytes and fibroblasts (He et al., 2016). Therefore, KLHL24 pathogenic variants were described as a cause of skin fragility through regulation of turnover of keratin 14 and demonstrate that the KLHL24 protein plays a role in maintaining the balance between intermediate filament stability and degradation required for skin integrity. We interpret the c.1 A>T variant as a pathogenic variant.

NM_017644.3(KLHL24):c.1A>T (p.Met1Leu)

Gene: KLHL24 (kelch like family member 24; plus strand). Cytogenetic location: 3q27.1.
Variant type: single nucleotide variant.
Coding change: c.1A>T on transcript NM_017644.3 (MANE Select); coding-DNA position 1, A replaced by T.
Protein change: p.Met1Leu; changes the start codon (methionine 1).
Molecular consequence: missense variant, initiator codon variant. On other transcripts: 5 prime UTR variant (2), non-coding transcript variant (2).
Genome position (GRCh38, 1-based): chr3:183,650,357, A>T. VCF-style: chr3-183650357-A-T. GRCh37 (hg19) VCF-style: chr3-183368145-A-T.
Other names: c.1A>T, p.Met1Leu (NM_001349413.1, NM_001349414.1, NM_001349415.1 and 11 more transcripts); c.-966A>T (NM_001349428.1, NM_001349429.1); short protein forms M1L.
Identifiers: ClinVar variation 432253 (VCV000432253.3), dbSNP rs886037956, ClinGen allele CA16602227.
Genomic context (GRCh38, chr3:183,650,357, plus strand): 5'-CACATAAAGAAGATCCCTAATAGTCATTTCTCAACAATTATATAGTCAACTGATGTAACA[A>T]TGGTACTAATATTGGGACGCAGACTAAACAGAGAGGATCTTGGGGTGCGTGATTCCCCAG-3'
Protein context (NP_060114.2, residues 1-11): [Met1Leu]VLILGRRLNR